The following is an entry in ClinVar:

ClinVar aggregate classification (germline): Pathogenic. Review status: criteria provided, multiple submitters, no conflicts (2 of 4 stars). 3 submissions from 3 submitters: Pathogenic (2). 1 of the submissions does not count toward it. Last evaluated 2024-05-17.

Conditions:
Osteogenesis imperfecta with normal sclerae, dominant form (OI4). Also called: OSTEOGENESIS IMPERFECTA WITH NORMAL SCLERAE; Osteogenesis imperfecta type 4; OSTEOGENESIS IMPERFECTA, TYPE IV, WITH DENTINOGENESIS IMPERFECTA; Common Variable Osteogenesis Imperfecta with Normal Sclerae; Osteogenesis Imperfecta Type IV. Identifiers: Orphanet 216820, Orphanet 666, MedGen C0268363, MONDO:0008148, OMIM 166220.
COL1A1-related disorder. Also called: COL1A1-related condition; COL1A1- related disease.
Osteogenesis imperfecta type I (OI1). Also called: OI, TYPE I; OSTEOGENESIS IMPERFECTA TARDA; OSTEOGENESIS IMPERFECTA WITH BLUE SCLERAE; Osteogenesis imperfecta type 1; Classic Non-deforming Osteogenesis Imperfecta with Blue Sclerae; Lobstein's Disease. Identifiers: Orphanet 216796, Orphanet 666, MedGen C0023931, MONDO:0008146, OMIM 166200. Disease mechanism: loss of function.

Submissions (3):

Labcorp Genetics (formerly Invitae), Labcorp
Classification: Pathogenic for Osteogenesis imperfecta type I. Last evaluated: 2024-05-17. Review status: criteria provided, single submitter. Criteria: Invitae Variant Classification Sherloc (09022015). Collection method: clinical testing. Allele origin: germline.
Comment: This sequence change replaces cysteine, which is neutral and slightly polar, with tryptophan, which is neutral and slightly polar, at codon 1299 of the COL1A1 protein (p.Cys1299Trp). This variant is not present in population databases (gnomAD no frequency). This missense change has been observed in individual(s) with osteogenesis imperfecta (PMID: 11432962, 26177859; Invitae). It has also been observed to segregate with disease in related individuals. ClinVar contains an entry for this variant (Variation ID: 425627). Advanced modeling of protein sequence and biophysical properties (such as structural, functional, and spatial information, amino acid conservation, physicochemical variation, residue mobility, and thermodynamic stability) has been performed at Invitae for this missense variant, however the output from this modeling did not meet the statistical confidence thresholds required to predict the impact of this variant on COL1A1 protein function. Experimental studies have shown that this missense change affects COL1A1 function (PMID: 11432962). For these reasons, this variant has been classified as Pathogenic.

PreventionGenetics, part of Exact Sciences
Classification: Pathogenic for COL1A1-related condition. Last evaluated: 2023-08-22. Review status: criteria provided, single submitter. Criteria: ACMG Guidelines, 2015. Collection method: clinical testing. Allele origin: germline.
Comment: The COL1A1 c.3897C>G variant is predicted to result in the amino acid substitution p.Cys1299Trp. This variant was reported in multiple individuals with osteogenesis imperfecta (Pace et al. 2001. PubMed ID: 11432962; Table S1, Lindahl et al. 2015. PubMed ID: 26177859; Aftab et al. 2013. PubMed ID: 24616757). Functional studies support the pathogenicity of this variant (Li et al. 2021. PubMed ID: 33674390). This variant has not been reported in a large population database, indicating this variant is rare. This variant is interpreted as pathogenic.

Department of Medical Sciences, Uppsala University
Classification: Pathogenic for OI type IV. Review status: no assertion criteria provided. Collection method: clinical testing. Allele origin: paternal. Affected: yes. Observed: 1 variant allele. Not counted in ClinVar's aggregate classification.

Literature cited by the submitters: PubMed 11432962 (cited by Labcorp Genetics (formerly Invitae), Labcorp); PubMed 26177859 (cited by Labcorp Genetics (formerly Invitae), Labcorp); PubMed 25944380 (cited by Department of Medical Sciences, Uppsala University).

NM_000088.4(COL1A1):c.3897C>G (p.Cys1299Trp)

Gene: COL1A1 (collagen type I alpha 1 chain; minus strand). Cytogenetic location: 17q21.33.
Variant type: single nucleotide variant.
Coding change: c.3897C>G on transcript NM_000088.4 (MANE Select); coding-DNA position 3897, C replaced by G.
Protein change: p.Cys1299Trp; replaces cysteine 1299 with tryptophan.
Molecular consequence: missense variant.
Genome position (GRCh38, 1-based): chr17:50,186,425, G>C on the plus strand (C>G on the coding strand, the complement: COL1A1 is on the minus strand). VCF-style: chr17-50186425-G-C. GRCh37 (hg19) VCF-style: chr17-48263786-G-C.
Other names: c.3897C>G (LRG_1t1); short protein forms C1299W.
Identifiers: ClinVar variation 425627 (VCV000425627.4), dbSNP rs34940368, ClinGen allele CA291542851.
Genomic context (GRCh38, chr17:50,186,425, plus strand): 5'-CTTGGGGTTCTTGCTGATGTACCAGTTCTTCTGGGCCACACTGGGCTGAGTGGGGTACAC[G>C]CAGGTCTCACCAGTCTCCATGTTGCAGAAGACTTTGATGGCATCCAGGTTGCAGCCTTGG-3'
Protein context (NP_000079.2, residues 1289-1309): VFCNMETGET[Cys1299Trp]VYPTQPSVAQ